The following is an entry in ClinVar:

NM_001122681.2(SH3BP2):c.993_994del (p.Cys331_Asp332delinsTer)

Gene: SH3BP2 (SH3 domain binding protein 2; plus strand). Cytogenetic location: 4p16.3.
Variant type: Microsatellite.
Coding change: c.993_994del on transcript NM_001122681.2 (MANE Select); coding-DNA positions 993 to 994, 2 bases deleted (TG; older notation c.993_994delTG).
Protein change: p.Cys331_Asp332delinsTer.
Molecular consequence: nonsense.
Genome position (GRCh38, 1-based): chr4:2,829,899-2,829,900, TG deleted; deleting any 2 consecutive bases within chr4:2,829,897-2,829,900 gives the same sequence; the c. name uses the placement nearest the transcript's 3' end. VCF-style (leftmost placement, unchanged base first): chr4-2829896-CTG-C. GRCh37 (hg19) VCF-style: chr4-2831623-CTG-C.
Other names: c.1077_1078del, p.Cys359_Asp360delinsTer (NM_001145855.2); c.1164_1165del, p.Cys388_Asp389delinsTer (NM_001145856.2); c.993_994del, p.Cys331_Asp332delinsTer (NM_003023.4).
Identifiers: ClinVar variation 1433159 (VCV001433159.7), dbSNP rs1171967366, ClinGen allele CA549704126.
Genomic context (GRCh38, chr4:2,829,896, plus strand): 5'-TGGCCACGGGGCCTGCTCCACTTCCAGTGCTGCCATCATGGCCACTGCCACCTCCAGAAA[CTG>C]TGACAAACTCAAGTCCTTCCACCTGTCCCCCCGAGGACCACCCACATCTGAGCCCCCACC-3'

ClinVar aggregate classification (germline): Uncertain significance. Review status: criteria provided, multiple submitters, no conflicts (2 of 4 stars). 2 submissions from 2 submitters: Uncertain significance (2). Last evaluated 2024-05-13.

Conditions:
Fibrous dysplasia of jaw (CRBM). Also called: Cherubism. Identifiers: Orphanet 184, MedGen C0008029, MONDO:0007315, OMIM 118400.

Submissions (2):

Labcorp Genetics (formerly Invitae), Labcorp
Classification: Uncertain significance for Fibrous dysplasia of jaw. Last evaluated: 2024-05-13. Review status: criteria provided, single submitter. Criteria: Invitae Variant Classification Sherloc (09022015). Collection method: clinical testing. Allele origin: germline.
Comment: This sequence change creates a premature translational stop signal (p.Cys331*) in the SH3BP2 gene. It is expected to result in an absent or disrupted protein product. However, the current clinical and genetic evidence is not sufficient to establish whether loss-of-function variants in SH3BP2 cause disease. This variant is present in population databases (no rsID available, gnomAD 0.002%). This variant has not been reported in the literature in individuals affected with SH3BP2-related conditions. ClinVar contains an entry for this variant (Variation ID: 1433159). Experimental studies and prediction algorithms are not available or were not evaluated, and the functional significance of this variant is currently unknown. In summary, the available evidence is currently insufficient to determine the role of this variant in disease. Therefore, it has been classified as a Variant of Uncertain Significance.

Fulgent Genetics
Classification: Uncertain significance for Fibrous dysplasia of jaw. Last evaluated: 2022-04-12. Review status: criteria provided, single submitter. Criteria: ACMG Guidelines, 2015. Collection method: clinical testing. Allele origin: unknown.